The following is an entry in ClinVar:

ClinVar aggregate classification (germline): Uncertain significance. Review status: criteria provided, multiple submitters, no conflicts (2 of 4 stars). 2 submissions from 2 submitters: Uncertain significance (2). Last evaluated 2024-11-21.

Conditions:
Hereditary cancer-predisposing syndrome. Also called: Tumor predisposition; Hereditary Cancer Syndrome; Neoplastic Syndromes, Hereditary; Hereditary neoplastic syndrome. Identifiers: Orphanet 140162, MedGen C0027672, MeSH D009386, MONDO:0015356.
Medulloblastoma (MDB). Also called: MEDULLOBLASTOMA PREDISPOSITION SYNDROME; Medulloblastoma, somatic. Identifiers: Orphanet 616, MedGen C0025149, MeSH D008527, MONDO:0007959, OMIM 155255, HP:0002885.
Gorlin syndrome. Also called: Nevoid Basal Cell Carcinoma Syndrome; Basal cell nevus syndrome. Identifiers: Orphanet 377, MedGen C0004779, MONDO:0007187.

Submissions (2):

Ambry Genetics
Classification: Uncertain significance for Hereditary cancer-predisposing syndrome. Last evaluated: 2024-11-21. Review status: criteria provided, single submitter. Criteria: Ambry Variant Classification Scheme 2023. Collection method: clinical testing. Allele origin: germline.
Comment: The p.Q48H variant (also known as c.144G>T), located in coding exon 1 of the SUFU gene, results from a G to T substitution at nucleotide position 144. The glutamine at codon 48 is replaced by histidine, an amino acid with highly similar properties. This amino acid position is conserved. In addition, this alteration is predicted to be deleterious by in silico analysis. Based on the available evidence, the clinical significance of this variant remains unclear.

Labcorp Genetics (formerly Invitae), Labcorp
Classification: Uncertain significance for Gorlin syndrome; Medulloblastoma. Last evaluated: 2023-11-02. Review status: criteria provided, single submitter. Criteria: Invitae Variant Classification Sherloc (09022015). Collection method: clinical testing. Allele origin: germline.
Comment: This sequence change replaces glutamine, which is neutral and polar, with histidine, which is basic and polar, at codon 48 of the SUFU protein (p.Gln48His). This variant is not present in population databases (gnomAD no frequency). This variant has not been reported in the literature in individuals affected with SUFU-related conditions. Advanced modeling of protein sequence and biophysical properties (such as structural, functional, and spatial information, amino acid conservation, physicochemical variation, residue mobility, and thermodynamic stability) performed at Invitae indicates that this missense variant is expected to disrupt SUFU protein function with a positive predictive value of 80%. In summary, the available evidence is currently insufficient to determine the role of this variant in disease. Therefore, it has been classified as a Variant of Uncertain Significance.

NM_016169.4(SUFU):c.144G>T (p.Gln48His)

Gene: SUFU (SUFU negative regulator of hedgehog signaling; plus strand). Cytogenetic location: 10q24.32.
Variant type: single nucleotide variant.
Coding change: c.144G>T on transcript NM_016169.4 (MANE Select); coding-DNA position 144, G replaced by T.
Protein change: p.Gln48His; replaces glutamine 48 with histidine.
Molecular consequence: missense variant.
Genome position (GRCh38, 1-based): chr10:102,504,296, G>T. VCF-style: chr10-102504296-G-T. GRCh37 (hg19) VCF-style: chr10-104264053-G-T.
Other names: c.144G>T, p.Gln48His (NM_001178133.2); short protein forms Q48H.
Identifiers: ClinVar variation 2953040 (VCV002953040.4), dbSNP rs2135598543, ClinGen allele CA377886631.